The following is an entry in ClinVar:

NM_001364171.2(ODAD1):c.2005G>A (p.Gly669Arg)

Gene: ODAD1 (outer dynein arm docking complex subunit 1; minus strand). Cytogenetic location: 19q13.33.
Variant type: single nucleotide variant.
Coding change: c.2005G>A on transcript NM_001364171.2 (MANE Select); coding-DNA position 2005, G replaced by A.
Protein change: p.Gly669Arg; replaces glycine 669 with arginine.
Molecular consequence: missense variant.
Genome position (GRCh38, 1-based): chr19:48,297,095, C>T on the plus strand (G>A on the coding strand, the complement: ODAD1 is on the minus strand). VCF-style: chr19-48297095-C-T. GRCh37 (hg19) VCF-style: chr19-48800352-C-T.
Other names: c.1894G>A, p.Gly632Arg (NM_144577.4); short protein forms G669R, G632R.
Identifiers: ClinVar variation 580332 (VCV000580332.7), dbSNP rs140189114, ClinGen allele CA9548508.

ClinVar aggregate classification (germline): Conflicting classifications of pathogenicity. Review status: criteria provided, conflicting classifications (1 of 4 stars). 2 submissions from 2 submitters: Uncertain significance (1); Likely benign (1). Last evaluated 2024-07-15.

Conditions:
Primary ciliary dyskinesia. Also called: Ciliary dyskinesia. Identifiers: Orphanet 244, MedGen C0008780, MONDO:0016575, HP:0012265.

Allele frequency attached by ClinVar (database versions not stated): gnomAD 0.00022 and 0.00027; TOPMed 0.00032; ESP Exome Variant Server 0.00046.
gnomAD v4.1: 104 of 1,613,524 alleles (0.0064%); highest among the groups gnomAD compares: African/African-American, 0.092%; no homozygotes.

Submissions (2):

Blueprint Genetics
Classification: Likely benign. Last evaluated: 2024-07-15. Review status: criteria provided, single submitter. Criteria: ACMG Guidelines, 2015. Collection method: clinical testing. Allele origin: germline.

Labcorp Genetics (formerly Invitae), Labcorp
Classification: Uncertain significance for Primary ciliary dyskinesia. Last evaluated: 2022-07-17. Review status: criteria provided, single submitter. Criteria: Invitae Variant Classification Sherloc (09022015). Collection method: clinical testing. Allele origin: germline.
Comment: This sequence change replaces glycine, which is neutral and non-polar, with arginine, which is basic and polar, at codon 632 of the CCDC114 protein (p.Gly632Arg). This variant is present in population databases (rs140189114, gnomAD 0.1%). This variant has not been reported in the literature in individuals affected with CCDC114-related conditions. ClinVar contains an entry for this variant (Variation ID: 580332). Algorithms developed to predict the effect of missense changes on protein structure and function output the following: SIFT: "Tolerated"; PolyPhen-2: "Benign"; Align-GVGD: "Class C0". The arginine amino acid residue is found in multiple mammalian species, which suggests that this missense change does not adversely affect protein function. In summary, the available evidence is currently insufficient to determine the role of this variant in disease. Therefore, it has been classified as a Variant of Uncertain Significance.